The following is an entry in ClinVar:

NC_000023.10:g.(?_22265948)_(22266301_?)del

Gene: PHEX (phosphate regulating endopeptidase X-linked; plus strand). Cytogenetic location: Xp22.11.
Variant type: Deletion.
Identifiers: ClinVar variation 1460050 (VCV001460050.7).

ClinVar aggregate classification (germline): Pathogenic (1 of 4 stars; one submission).

Submission:

Labcorp Genetics (formerly Invitae), Labcorp
Classification: Pathogenic. Last evaluated: 2021-12-24. Review status: criteria provided, single submitter. Criteria: Invitae Variant Classification Sherloc (09022015). Collection method: clinical testing. Allele origin: germline.
Comment: For these reasons, this variant has been classified as Pathogenic. This variant disrupts a region of the PHEX protein in which other variant(s) (p.Ala747*) have been determined to be pathogenic (PMID: 9199930, 9768674). This suggests that this is a clinically significant region of the protein, and that variants that disrupt it are likely to be disease-causing. A similar copy number variant has been observed in individual(s) with clinical features of hypophosphatemic rickets (PMID: 19513579). It has also been observed to segregate with disease in related individuals. This variant is a gross deletion of the genomic region encompassing exon(s) 22 of the PHEX gene, which includes the termination codon. This deletion extends beyond the assayed region for this gene and therefore may encompass additional genes. While this deletion is not anticipated to lead to nonsense mediated decay, it is expected to alter mRNA translation or result in a truncated protein product.

Literature cited by the submitters: PubMed 9199930; PubMed 9768674; PubMed 19513579.